The following is an entry in ClinVar:

NM_139057.4(ADAMTS17):c.2086G>A (p.Gly696Ser)

Gene: ADAMTS17 (ADAM metallopeptidase with thrombospondin type 1 motif 17; minus strand). Cytogenetic location: 15q26.3.
Variant type: single nucleotide variant.
Coding change: c.2086G>A on transcript NM_139057.4 (MANE Select); coding-DNA position 2086, G replaced by A.
Protein change: p.Gly696Ser; replaces glycine 696 with serine.
Molecular consequence: missense variant.
Genome position (GRCh38, 1-based): chr15:100,096,407, C>T on the plus strand (G>A on the coding strand, the complement: ADAMTS17 is on the minus strand). VCF-style: chr15-100096407-C-T. GRCh37 (hg19) VCF-style: chr15-100636612-C-T.
Other names: c.2086G>A (NM_139057.3); short protein forms G696S.
Identifiers: ClinVar variation 2262667 (VCV002262667.5), dbSNP rs762883961, ClinGen allele CA7757900.

ClinVar aggregate classification (germline): Uncertain significance. Review status: criteria provided, multiple submitters, no conflicts (2 of 4 stars). 3 submissions from 3 submitters: Uncertain significance (3). Last evaluated 2025-05-28.

Conditions:
ADAMTS17-related disorder. Also called: ADAMTS17-related condition.
Inborn genetic diseases. Identifiers: MedGen C0950123, MeSH D030342.

Allele frequency attached by ClinVar (database versions not stated): ExAC 0.00002; gnomAD 0.00002; gnomAD exomes 0.00002; TOPMed 0.00002.
gnomAD v4.1: 27 of 1,613,998 alleles (0.0017%); highest among the groups gnomAD compares: Middle Eastern, 0.033%; no homozygotes.

Submissions (3):

Ambry Genetics
Classification: Uncertain significance for Inborn genetic diseases. Last evaluated: 2025-05-28. Review status: criteria provided, single submitter. Criteria: Ambry Variant Classification Scheme 2023. Collection method: clinical testing. Allele origin: germline.

PreventionGenetics, part of Exact Sciences
Classification: Uncertain significance for ADAMTS17-related condition. Last evaluated: 2025-05-12. Review status: criteria provided, single submitter. Criteria: ACMG Guidelines, 2015. Collection method: clinical testing. Allele origin: germline.
Comment: The ADAMTS17 c.2086G>A variant is predicted to result in the amino acid substitution p.Gly696Ser. To our knowledge, this variant has not been reported in the literature. This variant is reported in 0.0080% of alleles in individuals of African descent in gnomAD. At this time, the clinical significance of this variant is uncertain due to the absence of conclusive functional and genetic evidence.

Blueprint Genetics
Classification: Uncertain significance. Last evaluated: 2021-03-29. Review status: criteria provided, single submitter. Criteria: ACMG Guidelines, 2015. Collection method: clinical testing. Allele origin: germline.